The following is an entry in ClinVar:

NM_000419.5(ITGA2B):c.1250G>A (p.Arg417Gln)

Gene: ITGA2B (integrin subunit alpha 2b; minus strand). Cytogenetic location: 17q21.31.
Variant type: single nucleotide variant.
Coding change: c.1250G>A on transcript NM_000419.5 (MANE Select); coding-DNA position 1250, G replaced by A.
Protein change: p.Arg417Gln; replaces arginine 417 with glutamine.
Molecular consequence: missense variant.
Genome position (GRCh38, 1-based): chr17:44,381,022, C>T on the plus strand (G>A on the coding strand, the complement: ITGA2B is on the minus strand). VCF-style: chr17-44381022-C-T. GRCh37 (hg19) VCF-style: chr17-42458390-C-T.
Other names: short protein forms R417Q.
Identifiers: ClinVar variation 4536001 (VCV004536001.1).
Genomic context (GRCh38, chr17:44,381,022, plus strand): 5'-ACCTGGGAGGGACGTGACCTCAGCCCCTCACTCTGACCCAGGAACACCAGCACTTGGCCC[C>T]GGCCACTGGGACCCCCGTAGGGGGCAGCCACTGCAATGTCTGGAAGGAGTAACAGAAAGG-3'
Protein context (NP_000410.2, residues 407-427): VAAPYGGPSG[Arg417Gln]GQVLVFLGQS

ClinVar aggregate classification (germline): Uncertain significance (1 of 4 stars; one submission).

gnomAD v4.1: 24 of 1,613,200 alleles (0.0015%); highest among the groups gnomAD compares: East Asian, 0.0067%; no homozygotes.

Submission:

Women's Health and Genetics/Laboratory Corporation of America, LabCorp
Classification: Uncertain significance. Last evaluated: 2025-09-30. Review status: criteria provided, single submitter. Criteria: LabCorp Variant Classification Summary - May 2015. Collection method: clinical testing. Allele origin: germline.
Comment: Variant summary: ITGA2B c.1250G>A (p.Arg417Gln) results in a conservative amino acid change in the encoded protein sequence. Algorithms developed to predict the effect of missense changes on protein structure and function all suggest that this variant is likely to be tolerated. The variant allele was found at a frequency of 8e-06 in 249578 control chromosomes. The available data on variant occurrences in the general population are insufficient to allow any conclusion about variant significance. To our knowledge, no occurrence of c.1250G>A in individuals affected with ITGA2B-related conditions and no experimental evidence demonstrating its impact on protein function have been reported. No submitters have cited clinical-significance assessments for this variant to ClinVar. Based on the evidence outlined above, the variant was classified as uncertain significance.